The following is an entry in ClinVar:

ClinVar aggregate classification (germline): Uncertain significance. Review status: criteria provided, multiple submitters, no conflicts (2 of 4 stars). 2 submissions from 2 submitters: Uncertain significance (2). Last evaluated 2026-01-27.

Conditions:
Inborn genetic diseases. Identifiers: MedGen C0950123, MeSH D030342.

Allele frequency attached by ClinVar (database versions not stated): ExAC 0.00004; ESP Exome Variant Server 0.00008; TOPMed 0.00009.
gnomAD v4.1: 90 of 1,614,082 alleles (0.0056%); highest among the groups gnomAD compares: Admixed American, 0.012%; no homozygotes.

Submissions (2):

Labcorp Genetics (formerly Invitae), Labcorp
Classification: Uncertain significance. Last evaluated: 2026-01-27. Review status: criteria provided, single submitter. Criteria: Invitae Variant Classification Sherloc (09022015). Collection method: clinical testing. Allele origin: germline.
Comment: This sequence change replaces valine, which is neutral and non-polar, with methionine, which is neutral and non-polar, at codon 611 of the ROR2 protein (p.Val611Met). This variant is present in population databases (rs374748836, gnomAD 0.007%). This variant has not been reported in the literature in individuals affected with ROR2-related conditions. ClinVar contains an entry for this variant (Variation ID: 2906700). Invitae Evidence Modeling of protein sequence and biophysical properties (such as structural, functional, and spatial information, amino acid conservation, physicochemical variation, residue mobility, and thermodynamic stability) indicates that this missense variant is not expected to disrupt ROR2 protein function with a negative predictive value of 80%. In summary, the available evidence is currently insufficient to determine the role of this variant in disease. Therefore, it has been classified as a Variant of Uncertain Significance.

Ambry Genetics
Classification: Uncertain significance for Inborn genetic diseases. Last evaluated: 2024-10-23. Review status: criteria provided, single submitter. Criteria: Ambry Variant Classification Scheme 2023. Collection method: clinical testing. Allele origin: germline.

NM_004560.4(ROR2):c.1831G>A (p.Val611Met)

Gene: ROR2 (receptor tyrosine kinase like orphan receptor 2; minus strand). Cytogenetic location: 9q22.31.
Variant type: single nucleotide variant.
Coding change: c.1831G>A on transcript NM_004560.4 (MANE Select); coding-DNA position 1831, G replaced by A.
Protein change: p.Val611Met; replaces valine 611 with methionine.
Molecular consequence: missense variant.
Genome position (GRCh38, 1-based): chr9:91,724,663, C>T on the plus strand (G>A on the coding strand, the complement: ROR2 is on the minus strand). VCF-style: chr9-91724663-C-T. GRCh37 (hg19) VCF-style: chr9-94486945-C-T.
Other names: c.1831G>A (NM_004560.3); short protein forms V611M.
Identifiers: ClinVar variation 2906700 (VCV002906700.4), dbSNP rs374748836, ClinGen allele CA5120549.